The following is an entry in ClinVar:

NM_030631.4(SLC25A21):c.337G>A (p.Ala113Thr)

Gene: SLC25A21 (solute carrier family 25 member 21; minus strand). Cytogenetic location: 14q13.3.
Variant type: single nucleotide variant.
Coding change: c.337G>A on transcript NM_030631.4 (MANE Select); coding-DNA position 337, G replaced by A.
Protein change: p.Ala113Thr; replaces alanine 113 with threonine.
Molecular consequence: missense variant.
Genome position (GRCh38, 1-based): chr14:36,725,671, C>T on the plus strand (G>A on the coding strand, the complement: SLC25A21 is on the minus strand). VCF-style: chr14-36725671-C-T. GRCh37 (hg19) VCF-style: chr14-37194876-C-T.
Other names: c.337G>A, p.Ala113Thr (NM_001171170.2); c.337G>A (NM_030631.3); short protein forms A113T.
Identifiers: ClinVar variation 1377221 (VCV001377221.8), dbSNP rs200377070, ClinGen allele CA7159319.
Genomic context (GRCh38, chr14:36,725,671, plus strand): 5'-CTACCTCAAAAGGGTTAACTACAATGGCTTCTGTTAGTCCAGATCCCAATCCAGCAATGG[C>T]GAATGTCTAGAAAAATTAAATCAATCAATACTTTAAAACAAGTTATCATGTGTATGGGGT-3'
Protein context (NP_085134.1, residues 103-123): YVSLSPALTF[Ala113Thr]IAGLGSGLTE

ClinVar aggregate classification (germline): Uncertain significance. Review status: criteria provided, multiple submitters, no conflicts (2 of 4 stars). 2 submissions from 2 submitters: Uncertain significance (2). Last evaluated 2026-01-26.

Allele frequency attached by ClinVar (database versions not stated): ExAC 0.00009; gnomAD exomes 0.00010 and 0.00039; ESP Exome Variant Server 0.00015; gnomAD 0.00019; TOPMed 0.00020.
gnomAD v4.1: 620 of 1,592,794 alleles (0.039%); highest among the groups gnomAD compares: Non-Finnish European, 0.047%; no homozygotes.

Submissions (2):

Labcorp Genetics (formerly Invitae), Labcorp
Classification: Uncertain significance. Last evaluated: 2026-01-26. Review status: criteria provided, single submitter. Criteria: Invitae Variant Classification Sherloc (09022015). Collection method: clinical testing. Allele origin: germline.
Comment: This sequence change replaces alanine, which is neutral and non-polar, with threonine, which is neutral and polar, at codon 113 of the SLC25A21 protein (p.Ala113Thr). This variant is present in population databases (rs200377070, gnomAD 0.02%). This variant has not been reported in the literature in individuals affected with SLC25A21-related conditions. ClinVar contains an entry for this variant (Variation ID: 1377221). Invitae Evidence Modeling of protein sequence and biophysical properties (such as structural, functional, and spatial information, amino acid conservation, physicochemical variation, residue mobility, and thermodynamic stability) indicates that this missense variant is not expected to disrupt SLC25A21 protein function with a negative predictive value of 80%. In summary, the available evidence is currently insufficient to determine the role of this variant in disease. Therefore, it has been classified as a Variant of Uncertain Significance.

Ambry Genetics
Classification: Uncertain significance. Last evaluated: 2025-04-25. Review status: criteria provided, single submitter. Criteria: Ambry Variant Classification Scheme 2023. Collection method: clinical testing. Allele origin: germline.